The following is an entry in ClinVar:

NM_016653.3(MAP3K20):c.850_851+1del

Genes: MAP3K20 (mitogen-activated protein kinase kinase kinase 20; plus strand), MAP3K20-AS1 (MAP3K20 antisense RNA 1; minus strand). Cytogenetic location: 2q31.1.
Variant type: Deletion.
Coding change: c.850_851+1del on transcript NM_016653.3 (MANE Select); coding-DNA position 850 through the canonical splice donor site of the intron after coding-DNA position 851, 3 bases deleted (AGG; older notation c.850_851+1delAGG).
Molecular consequence: splice donor variant. On other transcripts: non-coding transcript variant (1).
Genome position (GRCh38, 1-based): chr2:173,209,834-173,209,836, AGG deleted; deleting any 3 consecutive bases within chr2:173,209,832-173,209,836 gives the same sequence; the c. name uses the placement nearest the transcript's 3' end. VCF-style (leftmost placement, unchanged base first): chr2-173209831-TGGA-T. GRCh37 (hg19) VCF-style: chr2-174074559-TGGA-T.
Other names: c.850_851+1del (NM_133646.3).
Identifiers: ClinVar variation 4974482 (VCV004974482.1).

ClinVar aggregate classification (germline): Likely pathogenic (1 of 4 stars; one submission).

Conditions:
MAP3K20-associated Ectodermal Dysplasia.

Submission:

Lupski Lab, Baylor-Hopkins CMG, Baylor College of Medicine
Classification: Likely pathogenic for MAP3K20-associated Ectodermal Dysplasia. Last evaluated: 2026-06-30. Review status: criteria provided, single submitter. Criteria: ACMG Guidelines, 2015. Collection method: research. Allele origin: de novo. Inheritance: Autosomal dominant inheritance. Affected: yes. Observed: 1 variant allele, 1 heterozygote.
Comment: This variant has not been observed in gnomAD (PM2_Supporting= +1pt). This variant causes an in-frame deletion in a non-repetitive region that shortens the protein length (PM4_Moderate= +2pts). Sequencing of cDNA from participant’s fibroblasts shows that the splicing consequence is a deletion of arginine at position 284 (PS3_Moderate= +2pts). 9pts (PS2 +4, PM2 +1, PM4 +2, PS3 +2).

Literature cited by the submitters: PubMed 38451290.